The following is an entry in ClinVar:

NM_000053.4(ATP7B):c.1462C>T (p.Gln488Ter)

Gene: ATP7B (ATPase copper transporting beta; minus strand). Cytogenetic location: 13q14.3.
Variant type: single nucleotide variant.
Coding change: c.1462C>T on transcript NM_000053.4 (MANE Select); coding-DNA position 1462, C replaced by T.
Protein change: p.Gln488Ter; replaces glutamine 488 with a stop codon.
Molecular consequence: nonsense. On other transcripts: intron variant (1).
Genome position (GRCh38, 1-based): chr13:51,970,573, G>A on the plus strand (C>T on the coding strand, the complement: ATP7B is on the minus strand). VCF-style: chr13-51970573-G-A. GRCh37 (hg19) VCF-style: chr13-52544709-G-A.
Other names: c.1462C>T, p.Gln488Ter (NM_001005918.3, NM_001330578.2, NM_001406519.1 and 28 more transcripts); c.1129C>T, p.Gln377Ter (NM_001243182.2); c.1366C>T, p.Gln456Ter (NM_001406517.1, NM_001406518.1, NM_001406530.1 and 3 more transcripts); c.1033C>T, p.Gln345Ter (NM_001406539.1); c.1285+3362C>T (NM_001406548.1); short protein forms Q345*, Q377*, Q456*, Q488*.
Identifiers: ClinVar variation 4852547 (VCV004852547.1).

ClinVar aggregate classification (germline): Pathogenic (1 of 4 stars; one submission).

Conditions:
Wilson disease (WND). Also called: Wilson's disease. Identifiers: Orphanet 905, MedGen C0019202, MONDO:0010200, OMIM 277900. Disease mechanism: loss of function.

Submission:

Chongqing Key Laboratory of Child Rare Diseases in Infection and Immunity, Children’s Hospital of Chongqing Medical University
Classification: Pathogenic for Wilson disease. Last evaluated: 2024-01-01. Review status: criteria provided, single submitter. Criteria: ACMG Guidelines, 2015. Collection method: clinical testing. Allele origin: germline. Inheritance: Autosomal recessive inheritance. Affected: yes.
Comment: Classified as Pathogenic according to the ACMG/AMP 2015 guidelines (PMID:25741868). The classification was based on the available submitted evidence for Wilson disease (OMIM:277900), including clinical-testing observations, variant consequence/protein annotation, and published or ClinVar evidence where available. Supporting information considered: variant annotation: p.Gln488Ter; Nonsense; Protein domain: N-ter (MBD1-6); submitted notation: NM_000053.4:c.1462C>T (p.Gln488Ter); source variant type: Nonsense; source domain: N-ter (MBD1-6); allele count n=230: 1.